The following is an entry in ClinVar:

ClinVar aggregate classification (germline): Uncertain significance. Review status: criteria provided, multiple submitters, no conflicts (2 of 4 stars). 3 submissions from 3 submitters: Uncertain significance (3). Last evaluated 2024-10-30.

Conditions:
Inborn genetic diseases. Identifiers: MedGen C0950123, MeSH D030342.
BNAR syndrome. Also called: Bifid Nose With or Without Anorectal and Renal Anomalies (BNAR) Syndrome. Identifiers: Orphanet 217266, MedGen C2750433, MONDO:0012165, OMIM 608980.
Oculotrichoanal syndrome (MOTA). Also called: MARLES SYNDROME; Manitoba Oculotrichoanal (MOTA) Syndrome. Identifiers: Orphanet 2717, MedGen C1855425, MONDO:0009560, OMIM 248450.
Trigonocephaly 2 (TRIGNO2). Identifiers: Orphanet 3366, MedGen C3280974, MONDO:0013774, OMIM 614485.

Allele frequency attached by ClinVar (database versions not stated): gnomAD 0.00029; TOPMed 0.00019; 1000 Genomes Project 30x 0.00016; ExAC 0.00074.

Submissions (3):

Labcorp Genetics (formerly Invitae), Labcorp
Classification: Uncertain significance. Last evaluated: 2024-10-30. Review status: criteria provided, single submitter. Criteria: Invitae Variant Classification Sherloc (09022015). Collection method: clinical testing. Allele origin: germline.
Comment: This sequence change replaces valine, which is neutral and non-polar, with leucine, which is neutral and non-polar, at codon 703 of the FREM1 protein (p.Val703Leu). This variant is present in population databases (rs201018403, gnomAD 0.05%). This variant has not been reported in the literature in individuals affected with FREM1-related conditions. ClinVar contains an entry for this variant (Variation ID: 2057297). Invitae Evidence Modeling of protein sequence and biophysical properties (such as structural, functional, and spatial information, amino acid conservation, physicochemical variation, residue mobility, and thermodynamic stability) indicates that this missense variant is expected to disrupt FREM1 protein function with a positive predictive value of 80%. In summary, the available evidence is currently insufficient to determine the role of this variant in disease. Therefore, it has been classified as a Variant of Uncertain Significance.

Ambry Genetics
Classification: Uncertain significance for Inborn genetic diseases. Last evaluated: 2024-08-05. Review status: criteria provided, single submitter. Criteria: Ambry Variant Classification Scheme 2023. Collection method: clinical testing. Allele origin: germline.

Fulgent Genetics
Classification: Uncertain significance for Oculotrichoanal syndrome; BNAR syndrome; Trigonocephaly 2. Last evaluated: 2024-04-22. Review status: criteria provided, single submitter. Criteria: ACMG Guidelines, 2015. Collection method: clinical testing. Allele origin: germline.

NM_001379081.2(FREM1):c.2107G>T (p.Val703Leu)

Gene: FREM1 (FRAS1 related extracellular matrix 1; minus strand). Cytogenetic location: 9p22.3.
Variant type: single nucleotide variant.
Coding change: c.2107G>T on transcript NM_001379081.2 (MANE Select); coding-DNA position 2107, G replaced by T.
Protein change: p.Val703Leu; replaces valine 703 with leucine.
Molecular consequence: missense variant. On other transcripts: non-coding transcript variant (2).
Genome position (GRCh38, 1-based): chr9:14,824,087, C>A on the plus strand (G>T on the coding strand, the complement: FREM1 is on the minus strand). VCF-style: chr9-14824087-C-A. GRCh37 (hg19) VCF-style: chr9-14824085-C-A.
Other names: c.2107G>T (NM_144966.5); c.2107G>T, p.Val703Leu (NM_144966.7); short protein forms V703L.
Identifiers: ClinVar variation 2057297 (VCV002057297.5), dbSNP rs201018403, ClinGen allele CA4991034.